The following is an entry in ClinVar:

NM_001105206.3(LAMA4):c.3482T>C (p.Met1161Thr)

Gene: LAMA4 (laminin subunit alpha 4; minus strand). Cytogenetic location: 6q21.
Variant type: single nucleotide variant.
Coding change: c.3482T>C on transcript NM_001105206.3 (MANE Select); coding-DNA position 3482, T replaced by C.
Protein change: p.Met1161Thr; replaces methionine 1161 with threonine.
Molecular consequence: missense variant.
Genome position (GRCh38, 1-based): chr6:112,134,542, A>G on the plus strand (T>C on the coding strand, the complement: LAMA4 is on the minus strand). VCF-style: chr6-112134542-A-G. GRCh37 (hg19) VCF-style: chr6-112455744-A-G.
Other names: c.3461T>C, p.Met1154Thr (NM_001105207.3, NM_002290.5); short protein forms M1161T, M1154T.
Identifiers: ClinVar variation 2817857 (VCV002817857.3), dbSNP rs2547008514, ClinGen allele CA365377008.

ClinVar aggregate classification (germline): Uncertain significance (1 of 4 stars; one submission).

Conditions:
Dilated cardiomyopathy 1JJ (CMD1JJ). Identifiers: Orphanet 154, MedGen C3808935, MONDO:0014095, OMIM 615235.

Allele frequency attached by ClinVar (database versions not stated): gnomAD exomes below 0.00001.

Submission:

Labcorp Genetics (formerly Invitae), Labcorp
Classification: Uncertain significance for Dilated cardiomyopathy 1JJ. Last evaluated: 2022-12-04. Review status: criteria provided, single submitter. Criteria: Invitae Variant Classification Sherloc (09022015). Collection method: clinical testing. Allele origin: germline.
Comment: In summary, the available evidence is currently insufficient to determine the role of this variant in disease. Therefore, it has been classified as a Variant of Uncertain Significance. This sequence change replaces methionine, which is neutral and non-polar, with threonine, which is neutral and polar, at codon 1154 of the LAMA4 protein (p.Met1154Thr). This variant is not present in population databases (gnomAD no frequency). This variant has not been reported in the literature in individuals affected with LAMA4-related conditions. Algorithms developed to predict the effect of missense changes on protein structure and function output the following: SIFT: "Tolerated"; PolyPhen-2: "Benign"; Align-GVGD: "Class C0". The threonine amino acid residue is found in multiple mammalian species, which suggests that this missense change does not adversely affect protein function.